The following is an entry in ClinVar:

NM_004153.4(ORC1):c.1868A>G (p.Asp623Gly)

Gene: ORC1 (origin recognition complex subunit 1; minus strand). Cytogenetic location: 1p32.3.
Variant type: single nucleotide variant.
Coding change: c.1868A>G on transcript NM_004153.4 (MANE Select); coding-DNA position 1868, A replaced by G.
Protein change: p.Asp623Gly; replaces aspartic acid 623 with glycine.
Molecular consequence: missense variant.
Genome position (GRCh38, 1-based): chr1:52,383,565, T>C on the plus strand (A>G on the coding strand, the complement: ORC1 is on the minus strand). VCF-style: chr1-52383565-T-C. GRCh37 (hg19) VCF-style: chr1-52849237-T-C.
Other names: c.1868A>G, p.Asp623Gly (NM_001190818.2); c.1853A>G, p.Asp618Gly (NM_001190819.2); short protein forms D623G, D618G.
Identifiers: ClinVar variation 2105228 (VCV002105228.4), dbSNP rs1569920569, ClinGen allele CA340351909.
Genomic context (GRCh38, chr1:52,383,565, plus strand): 5'-TTATGAGTGGGCCAGTCAAAGAGATTGTACATTATGTCTTGTTTGTGAGTCCACAGAAGG[T>C]CGAGCTGCCAGGGCAAAGGAGAGAGGTGCAGAGTCAATCACAGAGACTGAGCTGGTGCTT-3'
Protein context (NP_004144.2, residues 613-633): ETTVLLVDEL[Asp623Gly]LLWTHKQDIM

ClinVar aggregate classification (germline): Uncertain significance (1 of 4 stars; one submission).

Allele frequency attached by ClinVar (database versions not stated): gnomAD exomes below 0.00001; TOPMed below 0.00001.

Submission:

Labcorp Genetics (formerly Invitae), Labcorp
Classification: Uncertain significance. Last evaluated: 2022-07-21. Review status: criteria provided, single submitter. Criteria: Invitae Variant Classification Sherloc (09022015). Collection method: clinical testing. Allele origin: germline.
Comment: In summary, the available evidence is currently insufficient to determine the role of this variant in disease. Therefore, it has been classified as a Variant of Uncertain Significance. Algorithms developed to predict the effect of missense changes on protein structure and function (SIFT, PolyPhen-2, Align-GVGD) all suggest that this variant is likely to be disruptive. This variant has not been reported in the literature in individuals affected with ORC1-related conditions. This variant is not present in population databases (gnomAD no frequency). This sequence change replaces aspartic acid, which is acidic and polar, with glycine, which is neutral and non-polar, at codon 623 of the ORC1 protein (p.Asp623Gly).